The following is an entry in ClinVar:

ClinVar aggregate classification (germline): Uncertain significance (1 of 4 stars; one submission).

Allele frequency attached by ClinVar (database versions not stated): gnomAD exomes 0.00003 and 0.00004; gnomAD 0.00004 and 0.00005; ExAC 0.00005; TOPMed 0.00007; ESP Exome Variant Server 0.00008.
gnomAD v4.1: 58 of 1,613,620 alleles (0.0036%); highest among the groups gnomAD compares: Non-Finnish European, 0.0044%; no homozygotes.

Submission:

Labcorp Genetics (formerly Invitae), Labcorp
Classification: Uncertain significance. Last evaluated: 2021-09-10. Review status: criteria provided, single submitter. Criteria: Invitae Variant Classification Sherloc (09022015). Collection method: clinical testing. Allele origin: germline.
Comment: This sequence change replaces valine with isoleucine at codon 734 of the BMP1 protein (p.Val734Ile). The valine residue is highly conserved and there is a small physicochemical difference between valine and isoleucine. This variant is present in population databases (rs148552467, ExAC 0.01%). This variant has not been reported in the literature in individuals affected with BMP1-related conditions. Algorithms developed to predict the effect of missense changes on protein structure and function are either unavailable or do not agree on the potential impact of this missense change (SIFT: "Deleterious"; PolyPhen-2: "Benign"; Align-GVGD: "Class C25"). In summary, the available evidence is currently insufficient to determine the role of this variant in disease. Therefore, it has been classified as a Variant of Uncertain Significance.

NM_006129.5(BMP1):c.2200G>A (p.Val734Ile)

Gene: BMP1 (bone morphogenetic protein 1; plus strand). Cytogenetic location: 8p21.3.
Variant type: single nucleotide variant.
Coding change: c.2200G>A on transcript NM_006129.5 (MANE Select); coding-DNA position 2200, G replaced by A.
Protein change: p.Val734Ile; replaces valine 734 with isoleucine.
Molecular consequence: missense variant. On other transcripts: non-coding transcript variant (1).
Genome position (GRCh38, 1-based): chr8:22,201,895, G>A. VCF-style: chr8-22201895-G-A. GRCh37 (hg19) VCF-style: chr8-22059408-G-A.
Other names: short protein forms V734I.
Identifiers: ClinVar variation 1491513 (VCV001491513.3), dbSNP rs148552467, ClinGen allele CA4665152.